The following is an entry in ClinVar:

GRCh37/hg19 14q11.2(chr14:20690196-23114522)x1

Genes: CCNB1IP1 (cyclin B1 interacting protein 1; minus strand), ABHD4 (abhydrolase domain containing 4, N-acyl phospholipase B; plus strand), ANG (angiogenin; plus strand), APEX1 (apurinic/apyrimidinic endodeoxyribonuclease 1; plus strand), ARHGEF40 (Rho guanine nucleotide exchange factor 40; plus strand) and 49 more. Cytogenetic location: 14q11.2.
Variant type: copy number loss.
Change: copy number 1 (one copy instead of two) of chr14:20,690,196-23,114,522 (2.42 Mb, GRCh37 coordinates, 1-based), cytogenetic band 14q11.2.
Identifiers: ClinVar variation 1808729 (VCV001808729.1).

ClinVar aggregate classification (germline): Pathogenic (1 of 4 stars; one submission).

Submission:

Quest Diagnostics Nichols Institute San Juan Capistrano
Classification: Pathogenic. Last evaluated: 2022-02-11. Review status: criteria provided, single submitter. Criteria: ACMG/ClinGen CNV Guidelines, 2019. Collection method: clinical testing. Allele origin: unknown.
Comment: This imbalance is expected to cause phenotypic and/or developmental abnormalities. It involves numerous genes and overlapping deletions of this region including the CHD8 gene (OMIM 610528) and other gene scommon to this genomic alteration have been reported in multiple individuals with abnormal phenotypes of autism, macrocephaly, facial dysmorphology, and variable degrees of intellectual disability (Drabova et al. Am J Med Genet A. 2015 Apr;167A(4):837-41. PMID:25735987; Terrone et al. Am J Med Genet A. 2014 Jan;164A(1):190-3.PMID: 24243641; Prontera et al. Am J Med Genet A. 2014 Dec;164A(12):3137-41. PMID: 25257502; Zahir et al. J Med Genet 2007 Sept; 44(9):556-561.PMID: 17545556). The CHD8 gene is a candidate for the autism phenotype (OMIM 615032) of these deletions (Stoleman et al. Eur J Med Genet. 2016 Apr;59(4):189-94. PMID: 26921529). Other candidate genes for different aspects of the phenotype include SUPT16H (OMIM 605012) and RPGRIP1 (OMIM 605446). Additionally, biallelic alteration of RPGRIP1 has been implicated in autosomal recessive cone-rod dystrophy-13 (CORD13; OMIM 608194) and Leber congenitalamaurosis 6 (OMIM 613826), while homozygous mutation of SALL2 (OMIM 602219) can cause autosomal recessive ocular coloboma (OMIM 216820). Further, larger deletions of this region areassociated with the contiguous 14q11 gene deletion syndrome (OMIM 613457). Features include failure to thrive, hypotonia, seizures, intellectual disability and other central nervous system problems and variable congenital anomalies.